The following is an entry in ClinVar:

ClinVar aggregate classification (germline): Uncertain significance (1 of 4 stars; one submission).

Submission:

Labcorp Genetics (formerly Invitae), Labcorp
Classification: Uncertain significance. Last evaluated: 2021-12-29. Review status: criteria provided, single submitter. Criteria: Invitae Variant Classification Sherloc (09022015). Collection method: clinical testing. Allele origin: germline.
Comment: This sequence change replaces glycine, which is neutral and non-polar, with alanine, which is neutral and non-polar, at codon 265 of the HK1 protein (p.Gly265Ala). This variant is not present in population databases (gnomAD no frequency). This variant has not been reported in the literature in individuals affected with HK1-related conditions. Algorithms developed to predict the effect of missense changes on protein structure and function are either unavailable or do not agree on the potential impact of this missense change (SIFT: "Deleterious"; PolyPhen-2: "Probably Damaging"; Align-GVGD: "Class C0"). In summary, the available evidence is currently insufficient to determine the role of this variant in disease. Therefore, it has been classified as a Variant of Uncertain Significance.

NM_000188.3(HK1):c.794G>C (p.Gly265Ala)

Gene: HK1 (hexokinase 1; plus strand). Cytogenetic location: 10q22.1.
Variant type: single nucleotide variant.
Coding change: c.794G>C on transcript NM_000188.3 (MANE Select); coding-DNA position 794, G replaced by C.
Protein change: p.Gly265Ala; replaces glycine 265 with alanine.
Molecular consequence: missense variant.
Genome position (GRCh38, 1-based): chr10:69,369,543, G>C. VCF-style: chr10-69369543-G-C. GRCh37 (hg19) VCF-style: chr10-71129299-G-C.
Other names: c.806G>C, p.Gly269Ala (NM_001322364.2, NM_001358263.1, NM_033497.3 and 1 more transcripts); c.899G>C, p.Gly300Ala (NM_001322365.2); c.710G>C, p.Gly237Ala (NM_001322366.1); c.698G>C, p.Gly233Ala (NM_001322367.1); c.791G>C, p.Gly264Ala (NM_033496.3); c.758G>C, p.Gly253Ala (NM_033500.2); short protein forms G264A, G237A, G269A, G300A, G233A, G253A, G265A.
Identifiers: ClinVar variation 2064882 (VCV002064882.4), dbSNP rs2540370739, ClinGen allele CA376914318.